The following is an entry in ClinVar:

ClinVar aggregate classification (germline): Pathogenic (1 of 4 stars; one submission).

Submission:

GeneDx
Classification: Pathogenic. Last evaluated: 2015-11-24. Review status: criteria provided, single submitter. Criteria: GeneDx Variant Classification (06012015). Collection method: clinical testing. Allele origin: germline. Affected: yes.
Comment: p.Val30870AspfsX3 (V30870DfsX3) in exon 300 of the TTN gene (NM_001256850.1). The normal sequence with the bases that are deleted in braces and inserted in brackets is: GATG{TTT}[A]CCCG. c.92609_92611delTTTinsA mutation in the TTN gene has not been reported previously as a disease-causing mutation or as a benign polymorphism to our knowledge. c.92609_92611delTTTinsA causes a shift in reading frame starting at codon Valine 30870, changing it to a Aspartic acid, and creating a premature stop codon at position 3 of the new reading frame, denoted p.Val30870AspfsX3. This mutation is expected to result in either an abnormal, truncated protein product or loss of protein from this allele through nonsense-mediated mRNA decay. Other truncating TTN variants have been reported in approximately 3% of control alleles (Herman D et al., 2012). However, c.92609_92611delTTTinsA is located in the A-band region of titin, where the majority of truncating mutations associated with DCM have been reported (Herman D et al., 2012). The variant is found in DCM panel(s).

NM_001267550.2(TTN):c.97532_97534delinsA (p.Val32511fs)

Genes: TTN (titin; minus strand), TTN-AS1 (TTN antisense RNA 1; plus strand). Cytogenetic location: 2q31.2.
Variant type: Indel.
Coding change: c.97532_97534delinsA on transcript NM_001267550.2 (MANE Select); coding-DNA positions 97532 to 97534, TTT replaced by A.
Protein change: p.Val32511fs; shifts the reading frame from valine 32511.
Molecular consequence: frameshift variant.
Genome position (GRCh38, 1-based): chr2:178,541,543-178,541,545, AAA replaced by T on the plus strand (TTT replaced by A on the coding strand, the reverse complement: TTN is on the minus strand). VCF-style: chr2-178541543-AAA-T. GRCh37 (hg19) VCF-style: chr2-179406270-AAA-T.
Other names: c.92609_92611delinsA, p.Val30870fs (NM_001256850.1); c.70337_70339delinsA, p.Val23446fs (NM_003319.4); c.89828_89830delinsA, p.Val29943fs (NM_133378.4); c.70712_70714delinsA, p.Val23571fs (NM_133432.3); c.70913_70915delinsA, p.Val23638fs (NM_133437.4); c.92609_92611delTTTinsA (NM_001256850.1); short protein forms V23571fs, V23638fs, V30870fs, V29943fs, V32511fs, V23446fs.
Identifiers: ClinVar variation 202497 (VCV000202497.1), dbSNP rs794729366, ClinGen allele CA309460.